The following is an entry in ClinVar:

NM_001098511.3(KIF2A):c.1227T>G (p.Asp409Glu)

Gene: KIF2A (kinesin family member 2A; plus strand). Cytogenetic location: 5q12.1.
Variant type: single nucleotide variant.
Coding change: c.1227T>G on transcript NM_001098511.3 (MANE Select); coding-DNA position 1227, T replaced by G.
Protein change: p.Asp409Glu; replaces aspartic acid 409 with glutamic acid.
Molecular consequence: missense variant.
Genome position (GRCh38, 1-based): chr5:62,363,285, T>G. VCF-style: chr5-62363285-T-G. GRCh37 (hg19) VCF-style: chr5-61659112-T-G.
Other names: c.1146T>G, p.Asp382Glu (NM_001243952.2); c.1170T>G, p.Asp390Glu (NM_001243953.2); c.1227T>G, p.Asp409Glu (NM_004520.5); short protein forms D409E, D382E, D390E.
Identifiers: ClinVar variation 2116311 (VCV002116311.4), dbSNP rs2111959453, ClinGen allele CA359951104.

ClinVar aggregate classification (germline): Uncertain significance (1 of 4 stars; one submission).

Submission:

Labcorp Genetics (formerly Invitae), Labcorp
Classification: Uncertain significance. Last evaluated: 2022-04-11. Review status: criteria provided, single submitter. Criteria: Invitae Variant Classification Sherloc (09022015). Collection method: clinical testing. Allele origin: germline.
Comment: This sequence change replaces aspartic acid, which is acidic and polar, with glutamic acid, which is acidic and polar, at codon 409 of the KIF2A protein (p.Asp409Glu). In summary, the available evidence is currently insufficient to determine the role of this variant in disease. Therefore, it has been classified as a Variant of Uncertain Significance. Algorithms developed to predict the effect of sequence changes on RNA splicing suggest that this variant may create or strengthen a splice site. Algorithms developed to predict the effect of missense changes on protein structure and function are either unavailable or do not agree on the potential impact of this missense change (SIFT: "Deleterious"; PolyPhen-2: "Possibly Damaging"; Align-GVGD: "Class C0"). This variant has not been reported in the literature in individuals affected with KIF2A-related conditions. This variant is not present in population databases (gnomAD no frequency).